The following is an entry in ClinVar:

ClinVar aggregate classification (germline): Uncertain significance (1 of 4 stars; one submission).

Conditions:
Beckwith-Wiedemann syndrome (BWS). Also called: Exomphalos macroglossia gigantism syndrome; EMG SYNDROME. Identifiers: Orphanet 116, MedGen C0004903, MONDO:0007534, OMIM 130650.

Allele frequency attached by ClinVar (database versions not stated): gnomAD exomes below 0.00001.

Submission:

Labcorp Genetics (formerly Invitae), Labcorp
Classification: Uncertain significance for Beckwith-Wiedemann syndrome. Last evaluated: 2023-08-25. Review status: criteria provided, single submitter. Criteria: Invitae Variant Classification Sherloc (09022015). Collection method: clinical testing. Allele origin: germline.
Comment: This sequence change replaces proline, which is neutral and non-polar, with serine, which is neutral and polar, at codon 36 of the CDKN1C protein (p.Pro36Ser). This variant is not present in population databases (gnomAD no frequency). This variant has not been reported in the literature in individuals affected with CDKN1C-related conditions. Advanced modeling of protein sequence and biophysical properties (such as structural, functional, and spatial information, amino acid conservation, physicochemical variation, residue mobility, and thermodynamic stability) performed at Invitae indicates that this missense variant is not expected to disrupt CDKN1C protein function. In summary, the available evidence is currently insufficient to determine the role of this variant in disease. Therefore, it has been classified as a Variant of Uncertain Significance.

NM_001122630.2(CDKN1C):c.73C>T (p.Pro25Ser)

Gene: CDKN1C (cyclin dependent kinase inhibitor 1C; minus strand). Cytogenetic location: 11p15.4.
Variant type: single nucleotide variant.
Coding change: c.73C>T on transcript NM_001122630.2 (MANE Select); coding-DNA position 73, C replaced by T.
Protein change: p.Pro25Ser; replaces proline 25 with serine.
Molecular consequence: missense variant.
Genome position (GRCh38, 1-based): chr11:2,885,384, G>A on the plus strand (C>T on the coding strand, the complement: CDKN1C is on the minus strand). VCF-style: chr11-2885384-G-A. GRCh37 (hg19) VCF-style: chr11-2906614-G-A.
Other names: c.106C>T, p.Pro36Ser (NM_000076.2, NM_001362474.2); c.73C>T, p.Pro25Ser (NM_001122631.2, NM_001362475.2); short protein forms P36S, P25S.
Identifiers: ClinVar variation 2874981 (VCV002874981.3), dbSNP rs2494390607, ClinGen allele CA379147752.